The following is an entry in ClinVar:

ClinVar aggregate classification (germline): Uncertain significance (1 of 4 stars; one submission).

gnomAD v4.1: 6 of 1,603,598 alleles (0.00037%); highest among the groups gnomAD compares: African/African-American, 0.0013%; no homozygotes.

Submission:

Labcorp Genetics (formerly Invitae), Labcorp
Classification: Uncertain significance. Last evaluated: 2025-03-01. Review status: criteria provided, single submitter. Criteria: Invitae Variant Classification Sherloc (09022015). Collection method: clinical testing. Allele origin: germline.
Comment: This sequence change falls in intron 2 of the CEP97 gene. It does not directly change the encoded amino acid sequence of the CEP97 protein. It affects a nucleotide within the consensus splice site. The frequency data for this variant in the population databases is considered unreliable, as metrics indicate poor data quality at this position in the gnomAD database. This variant has not been reported in the literature in individuals affected with CEP97-related conditions. Variants that disrupt the consensus splice site are a relatively common cause of aberrant splicing (PMID: 17576681, 9536098). Algorithms developed to predict the effect of sequence changes on RNA splicing suggest that this variant is not likely to affect RNA splicing. In summary, the available evidence is currently insufficient to determine the role of this variant in disease. Therefore, it has been classified as a Variant of Uncertain Significance.

Literature cited by the submitters: PubMed 17576681; PubMed 9536098.

NM_024548.4(CEP97):c.187-3C>T

Gene: CEP97 (centrosomal protein 97; plus strand). Cytogenetic location: 3q12.3.
Variant type: single nucleotide variant.
Coding change: c.187-3C>T on transcript NM_024548.4 (MANE Select); 3 bases into the intron before coding-DNA position 187, C replaced by T.
Molecular consequence: intron variant.
Genome position (GRCh38, 1-based): chr3:101,727,380, C>T. VCF-style: chr3-101727380-C-T. GRCh37 (hg19) VCF-style: chr3-101446224-C-T.
Other names: c.187-3C>T (NM_001303401.2, NM_001410784.1, NM_001410785.1).
Identifiers: ClinVar variation 4761170 (VCV004761170.1).
Genomic context (GRCh38, chr3:101,727,380, plus strand): 5'-CTTTAATGTGAAATATTTTATATATGTTATTCCTAAAAATAACAATATGTTTCCTTTTTA[C>T]AGTTATCAGTAGCTAATAATCGGCTGGTTCGGATGATGGGTGTGGCCAAGCTGACGTTGC-3'